The following is an entry in ClinVar:

ClinVar aggregate classification (germline): Uncertain significance (1 of 4 stars; one submission).

gnomAD v4.1: 3 of 1,494,270 alleles (0.0002%); highest among the groups gnomAD compares: South Asian, 0.0013%; no homozygotes.

Submission:

Ambry Genetics
Classification: Uncertain significance. Last evaluated: 2025-05-18. Review status: criteria provided, single submitter. Criteria: Ambry Variant Classification Scheme 2023. Collection method: clinical testing. Allele origin: germline.
Comment: The p.S194Y variant (also known as c.581C>A), located in coding exon 6 of the RAD51B gene, results from a C to A substitution at nucleotide position 581. The serine at codon 194 is replaced by tyrosine, an amino acid with dissimilar properties. This amino acid position is conserved. In addition, this alteration is predicted to be tolerated by in silico analysis. Based on the available evidence, the clinical significance of this variant remains unclear.

NM_133510.4(RAD51B):c.581C>A (p.Ser194Tyr)

Gene: RAD51B (RAD51 paralog B; plus strand). Cytogenetic location: 14q24.1.
Variant type: single nucleotide variant.
Coding change: c.581C>A on transcript NM_133510.4 (MANE Select); coding-DNA position 581, C replaced by A.
Protein change: p.Ser194Tyr; replaces serine 194 with tyrosine.
Molecular consequence: missense variant.
Genome position (GRCh38, 1-based): chr14:67,887,029, C>A. VCF-style: chr14-67887029-C-A. GRCh37 (hg19) VCF-style: chr14-68353746-C-A.
Other names: c.581C>A, p.Ser194Tyr (NM_001321809.2, NM_001321810.2, NM_001321812.1 and 6 more transcripts); c.467C>A, p.Ser156Tyr (NM_001321815.1); c.224C>A, p.Ser75Tyr (NM_001321817.2); short protein forms S194Y, S156Y, S75Y.
Identifiers: ClinVar variation 3942322 (VCV003942322.1).